The following is an entry in ClinVar:

NM_002470.4(MYH3):c.2683-14C>A

Gene: MYH3 (myosin heavy chain 3; minus strand). Cytogenetic location: 17p13.1.
Variant type: single nucleotide variant.
Coding change: c.2683-14C>A on transcript NM_002470.4 (MANE Select); 14 bases into the intron before coding-DNA position 2683, C replaced by A.
Molecular consequence: intron variant.
Genome position (GRCh38, 1-based): chr17:10,639,816, G>T on the plus strand (C>A on the coding strand, the complement: MYH3 is on the minus strand). VCF-style: chr17-10639816-G-T. GRCh37 (hg19) VCF-style: chr17-10543133-G-T.
Identifiers: ClinVar variation 321746 (VCV000321746.16), dbSNP rs202129717, ClinGen allele CA8392702.

ClinVar aggregate classification (germline): Conflicting classifications of pathogenicity. Review status: criteria provided, conflicting classifications (1 of 4 stars). 6 submissions from 5 submitters: Uncertain significance (1); Benign (3); Likely benign (2). Last evaluated 2026-01-09.

Conditions:
Distal arthrogryposis type 2B1 (DA2B1). Also called: Arthrogryposis multiplex congenita distal type II with craniofacial abnormalities. Identifiers: Orphanet 1147, MedGen C5193014, MONDO:0020820, OMIM 601680.
Freeman-Sheldon syndrome (DA2A). Also called: CRANIOCARPOTARSAL DYSPLASIA; CRANIOCARPOTARSAL DYSTROPHY; WHISTLING FACE-WINDMILL VANE HAND SYNDROME; Arthrogryposis, distal, type 2A (Freeman-Sheldon). Identifiers: Orphanet 2053, MedGen C0265224, MONDO:0008675, OMIM 193700.

Allele frequency attached by ClinVar (database versions not stated): ESP Exome Variant Server 0.00046; gnomAD exomes 0.00049 and 0.00077; gnomAD 0.00056 and 0.00061; ExAC 0.00058; 1000 Genomes Project 0.00080; TOPMed 0.00092.
gnomAD v4.1: 1,227 of 1,610,814 alleles (0.076%); highest among the groups gnomAD compares: Middle Eastern, 1.2%; 3 homozygotes.

Submissions (6):

Labcorp Genetics (formerly Invitae), Labcorp
Classification: Benign. Last evaluated: 2026-01-09. Review status: criteria provided, single submitter. Criteria: Invitae Variant Classification Sherloc (09022015). Collection method: clinical testing. Allele origin: germline.

Blueprint Genetics
Classification: Likely benign. Last evaluated: 2024-10-24. Review status: criteria provided, single submitter. Criteria: ACMG Guidelines, 2015. Collection method: clinical testing. Allele origin: germline.

GeneDx
Classification: Likely benign. Last evaluated: 2020-12-30. Review status: criteria provided, single submitter. Criteria: GeneDx Variant Classification Process June 2021. Collection method: clinical testing. Allele origin: germline. Affected: yes.

Illumina Laboratory Services, Illumina
Classification: Benign for Freeman-Sheldon syndrome. Last evaluated: 2018-01-13. Review status: criteria provided, single submitter. Criteria: ICSL Variant Classification Criteria 13 December 2019. Collection method: clinical testing. Allele origin: germline.
Comment: This variant was observed in the ICSL laboratory as part of a predisposition screen in an ostensibly healthy population. It had not been previously curated by ICSL or reported in the Human Gene Mutation Database (HGMD: prior to June 1st, 2018), and was therefore a candidate for classification through an automated scoring system. Utilizing variant allele frequency, disease prevalence and penetrance estimates, and inheritance mode, an automated score was calculated to assess if this variant is too frequent to cause the disease. Based on the score and internal cut-off values, a variant classified as benign is not then subjected to further curation. The score for this variant resulted in a classification of benign for this disease.

Illumina Laboratory Services, Illumina
Classification: Uncertain significance for Distal arthrogryposis type 2B1. Last evaluated: 2018-01-13. Review status: criteria provided, single submitter. Criteria: ICSL Variant Classification Criteria 13 December 2019. Collection method: clinical testing. Allele origin: germline.

Center for Pediatric Genomic Medicine, Children's Mercy Hospital and Clinics
Classification: Benign. Last evaluated: 2017-09-25. Review status: criteria provided, single submitter. Criteria: ACMG Guidelines, 2015. Collection method: clinical testing. Allele origin: germline.